The following is an entry in ClinVar:

NM_001943.5(DSG2):c.730G>A (p.Gly244Ser)

Gene: DSG2 (desmoglein 2; plus strand). Cytogenetic location: 18q12.1.
Variant type: single nucleotide variant.
Coding change: c.730G>A on transcript NM_001943.5 (MANE Select); coding-DNA position 730, G replaced by A.
Protein change: p.Gly244Ser; replaces glycine 244 with serine.
Molecular consequence: missense variant.
Genome position (GRCh38, 1-based): chr18:31,524,487, G>A. VCF-style: chr18-31524487-G-A. GRCh37 (hg19) VCF-style: chr18-29104450-G-A.
Other names: short protein forms G244S.
Identifiers: ClinVar variation 3221946 (VCV003221946.1), dbSNP rs754649921, ClinGen allele CA402134954.

ClinVar aggregate classification (germline): Uncertain significance (1 of 4 stars; one submission).

Conditions:
Cardiovascular phenotype. Identifiers: MedGen CN230736.

Allele frequency attached by ClinVar (database versions not stated): TOPMed below 0.00001.

Submission:

Ambry Genetics
Classification: Uncertain significance for Cardiovascular phenotype. Last evaluated: 2023-09-15. Review status: criteria provided, single submitter. Criteria: Ambry Variant Classification Scheme 2023. Collection method: clinical testing. Allele origin: germline.
Comment: The p.G244S variant (also known as c.730G>A), located in coding exon 7 of the DSG2 gene, results from a G to A substitution at nucleotide position 730. The glycine at codon 244 is replaced by serine, an amino acid with similar properties. This amino acid position is conserved. In addition, this alteration is predicted to be tolerated by in silico analysis. Since supporting evidence is limited at this time, the clinical significance of this alteration remains unclear.